The following is an entry in ClinVar:

ClinVar aggregate classification (germline): Uncertain significance (1 of 4 stars; one submission).

Conditions:
Severe early-onset pulmonary alveolar proteinosis due to MARS deficiency. Also called: PULMONARY ALVEOLAR PROTEINOSIS, REUNION ISLAND; Interstitial lung and liver disease. Identifiers: Orphanet 440427, MedGen C4225400, MONDO:0014206, OMIM 615486.
Charcot-Marie-Tooth disease axonal type 2U. Also called: CHARCOT-MARIE-TOOTH NEUROPATHY, TYPE 2U; CHARCOT-MARIE-TOOTH DISEASE, AXONAL, AUTOSOMAL DOMINANT, TYPE 2U. Identifiers: Orphanet 397735, MedGen C4084821, MONDO:0014566, OMIM 616280.

Allele frequency attached by ClinVar (database versions not stated): gnomAD exomes below 0.00001; gnomAD 0.00001; TOPMed 0.00001.
gnomAD v4.1: 9 of 1,614,032 alleles (0.00056%); highest among the groups gnomAD compares: African/African-American, 0.0013%; no homozygotes.

Submission:

Labcorp Genetics (formerly Invitae), Labcorp
Classification: Uncertain significance for Charcot-Marie-Tooth disease axonal type 2U; Severe early-onset pulmonary alveolar proteinosis due to MARS deficiency. Last evaluated: 2021-11-12. Review status: criteria provided, single submitter. Criteria: Invitae Variant Classification Sherloc (09022015). Collection method: clinical testing. Allele origin: germline.
Comment: In summary, the available evidence is currently insufficient to determine the role of this variant in disease. Therefore, it has been classified as a Variant of Uncertain Significance. Algorithms developed to predict the effect of missense changes on protein structure and function output the following: SIFT: "Tolerated"; PolyPhen-2: "Benign"; Align-GVGD: "Class C0". The isoleucine amino acid residue is found in multiple mammalian species, which suggests that this missense change does not adversely affect protein function. This variant has not been reported in the literature in individuals affected with MARS-related conditions. This variant is present in population databases (no rsID available, gnomAD 0.0009%). This sequence change replaces valine, which is neutral and non-polar, with isoleucine, which is neutral and non-polar, at codon 437 of the MARS protein (p.Val437Ile).

NM_004990.4(MARS1):c.1309G>A (p.Val437Ile)

Gene: MARS1 (methionyl-tRNA synthetase 1; plus strand). Cytogenetic location: 12q13.3.
Variant type: single nucleotide variant.
Coding change: c.1309G>A on transcript NM_004990.4 (MANE Select); coding-DNA position 1309, G replaced by A.
Protein change: p.Val437Ile; replaces valine 437 with isoleucine.
Molecular consequence: missense variant.
Genome position (GRCh38, 1-based): chr12:57,504,240, G>A. VCF-style: chr12-57504240-G-A. GRCh37 (hg19) VCF-style: chr12-57898023-G-A.
Other names: short protein forms V437I.
Identifiers: ClinVar variation 1681729 (VCV001681729.6), dbSNP rs1484877370, ClinGen allele CA385458844.
Genomic context (GRCh38, chr12:57,504,240, plus strand): 5'-CCTGGCCTGCAGGCCTGATCTGTCCTCTGGAATTTTCCTTCGCAGAAGCCTCAGTGTAAA[G>A]TCTGCCGATCATGCCCTGTGGTGCAGTCGAGCCAGCACCTGTTTCTGGACCTGCCTAAGG-3'
Protein context (NP_004981.2, residues 427-447): AVELKKPQCK[Val437Ile]CRSCPVVQSS